The following is an entry in ClinVar:

ClinVar aggregate classification (germline): Uncertain significance (1 of 4 stars; one submission).

Conditions:
Hereditary factor VIII deficiency disease (HEMA). Also called: HEMOPHILIA, CLASSIC; AUTOSOMAL HEMOPHILIA A; Hemophilia A; Hemophilia A, congenital; HEM A; Factor 8 deficiency, congenital. Identifiers: Orphanet 98878, MedGen C0019069, MONDO:0010602, OMIM 306700.

Submission:

The Central Laboratory of Birth Defects Prevention and Control, The Affiliated Women and Children's Hospital of Ningbo University
Classification: Uncertain significance for Hemophilia A. Last evaluated: 2024-09-30. Review status: criteria provided, single submitter. Criteria: ACMG/ClinGen CNV Guidelines, 2019. Collection method: clinical testing. Allele origin: germline. Affected: yes.
Comment: Variant summary: The CNV identified by Oxford Nanopore sequencing and optical genome mapping involves 87.56Kb duplication, including a partial int22h3 and TMLHE exon 2-8. Although exact breakpoints of this duplication are not known, the CNV inserted int22h1 of the F8 gene and expected to result in isolation of F8 gene, a known mechanism of disease (PMID: 30088696). No submitters have reported clinical-significance assessments for this CNV to ClinVar. According to the ACMG, the CNV of F8 is a variant of uncertain significance (1A, 2I (Scoring: 0.3), 3A, 5D(Scoring: 0.45))(PMID: 31690835).

NC_000023.10:g.(?_154689387)_(154776950_?)dup

Genes: H2AB3 (H2A.B variant histone 3; minus strand), TMLHE (trimethyllysine hydroxylase, epsilon; minus strand). Cytogenetic location: Xq28.
Variant type: Duplication.
Identifiers: ClinVar variation 3366903 (VCV003366903.1).